The following is an entry in ClinVar:

NM_014585.6(SLC40A1):c.1588T>C (p.Phe530Leu)

Gene: SLC40A1 (solute carrier family 40 member 1; minus strand). Cytogenetic location: 2q32.2.
Variant type: single nucleotide variant.
Coding change: c.1588T>C on transcript NM_014585.6 (MANE Select); coding-DNA position 1588, T replaced by C.
Protein change: p.Phe530Leu; replaces phenylalanine 530 with leucine.
Molecular consequence: missense variant.
Genome position (GRCh38, 1-based): chr2:189,562,006, A>G on the plus strand (T>C on the coding strand, the complement: SLC40A1 is on the minus strand). VCF-style: chr2-189562006-A-G. GRCh37 (hg19) VCF-style: chr2-190426732-A-G.
Other names: short protein forms F530L.
Identifiers: ClinVar variation 2890587 (VCV002890587.3), dbSNP rs1423640117, ClinGen allele CA349986683.

ClinVar aggregate classification (germline): Uncertain significance (1 of 4 stars; one submission).

Conditions:
Hemochromatosis type 4 (HFE4). Also called: HEMOCHROMATOSIS DUE TO DEFECT IN FERROPORTIN; HEMOCHROMATOSIS, AUTOSOMAL DOMINANT; Ferroportin disease. Identifiers: Orphanet 139491, Orphanet 647834, Orphanet 648562, MedGen C1853733, MONDO:0011631, OMIM 606069.

Allele frequency attached by ClinVar (database versions not stated): gnomAD exomes 0.00001.
gnomAD v4.1: 5 of 1,614,180 alleles (0.00031%); highest among the groups gnomAD compares: Admixed American, 0.0083%; no homozygotes.

Submission:

Labcorp Genetics (formerly Invitae), Labcorp
Classification: Uncertain significance for Hemochromatosis type 4. Last evaluated: 2023-01-06. Review status: criteria provided, single submitter. Criteria: Invitae Variant Classification Sherloc (09022015). Collection method: clinical testing. Allele origin: germline.
Comment: In summary, the available evidence is currently insufficient to determine the role of this variant in disease. Therefore, it has been classified as a Variant of Uncertain Significance. Advanced modeling of protein sequence and biophysical properties (such as structural, functional, and spatial information, amino acid conservation, physicochemical variation, residue mobility, and thermodynamic stability) performed at Invitae indicates that this missense variant is expected to disrupt SLC40A1 protein function. This variant has not been reported in the literature in individuals affected with SLC40A1-related conditions. This variant is present in population databases (no rsID available, gnomAD 0.01%). This sequence change replaces phenylalanine, which is neutral and non-polar, with leucine, which is neutral and non-polar, at codon 530 of the SLC40A1 protein (p.Phe530Leu).